The following is an entry in ClinVar:

NM_007294.4(BRCA1):c.1025T>C (p.Leu342Pro)

Gene: BRCA1 (BRCA1 DNA repair associated; minus strand). Cytogenetic location: 17q21.31.
Variant type: single nucleotide variant.
Coding change: c.1025T>C on transcript NM_007294.4 (MANE Select); coding-DNA position 1025, T replaced by C.
Protein change: p.Leu342Pro; replaces leucine 342 with proline.
Molecular consequence: missense variant. On other transcripts: intron variant (137).
Genome position (GRCh38, 1-based): chr17:43,094,506, A>G on the plus strand (T>C on the coding strand, the complement: BRCA1 is on the minus strand). VCF-style: chr17-43094506-A-G. GRCh37 (hg19) VCF-style: chr17-41246523-A-G.
Other names: c.899T>C, p.Leu300Pro (NM_001407670.1, NM_001407671.1, NM_001407672.1 and 11 more transcripts); c.758T>C, p.Leu253Pro (NM_001407936.1, NM_001407930.1, NM_001407931.1 and 2 more transcripts); c.881T>C, p.Leu294Pro (NM_001407943.1, NM_001407740.1, NM_001407741.1 and 20 more transcripts); c.884T>C, p.Leu295Pro (NM_001407944.1, NM_001407945.1, NM_001407942.1 and 29 more transcripts); c.902T>C, p.Leu301Pro (NM_001407937.1, NM_001407674.1, NM_001407676.1 and 19 more transcripts); c.812T>C, p.Leu271Pro (NM_001407571.1, NM_001407853.1, NM_001407894.1 and 9 more transcripts); c.1025T>C, p.Leu342Pro (NM_001407581.1, NM_001407582.1, NM_001407583.1 and 30 more transcripts); c.1022T>C, p.Leu341Pro (NM_001407587.1, NM_001407590.1, NM_001407591.1 and 22 more transcripts); and 40 more; short protein forms L342P, L295P, L215P, L230P, L231P, L274P, L294P, L301P.
Identifiers: ClinVar variation 441393 (VCV000441393.16), dbSNP rs1555592634, ClinGen allele CA10600008.
Genomic context (GRCh38, chr17:43,094,506, plus strand): 5'-TCTGAGCATGGCAGTTTCTGCTTATTCCATTCTTTTCTCTCACACAGGGGATCAGCATTC[A>G]GATCTACCTTTTTTTCTGTGCTGGGAGTCCGCCTATCATTACATGTTTCCTTACTTCCAG-3'
Protein context (NP_009225.1, residues 332-352): RTPSTEKKVD[Leu342Pro]NADPLCERKE

ClinVar aggregate classification (germline): Conflicting classifications of pathogenicity. Review status: criteria provided, conflicting classifications (1 of 4 stars). 4 submissions from 4 submitters: Uncertain significance (3); Likely benign (1). Last evaluated 2023-03-23.

Conditions:
Hereditary breast ovarian cancer syndrome. Also called: Hereditary breast and ovarian cancer; Breast and ovarian cancer; Hereditary breast and ovarian cancer syndrome; Hereditary breast and/or ovarian cancer syndrome; BRCA1- and BRCA2-Associated Hereditary Breast and Ovarian Cancer; Hereditary breast and ovarian cancer syndrome (HBOC). Identifiers: Orphanet 145, MedGen C0677776, MeSH D061325, MONDO:0003582. Disease mechanism: loss of function.
Hereditary cancer-predisposing syndrome. Also called: Hereditary Cancer Syndrome; Hereditary neoplastic syndrome; Neoplastic Syndromes, Hereditary; Tumor predisposition. Identifiers: Orphanet 140162, MedGen C0027672, MeSH D009386, MONDO:0015356.

Submissions (4):

University of Washington Department of Laboratory Medicine, University of Washington
Classification: Likely benign for Hereditary cancer-predisposing syndrome. Last evaluated: 2023-03-23. Review status: criteria provided, single submitter. Criteria: Dines et al. (Genet Med. 2020). Collection method: curation. Allele origin: germline.
Comment: Missense variant in a coldspot region where missense variants are very unlikely to be pathogenic (PMID:31911673).

BRCA1 coldspot (exon 11 using historical exon numbering). Reclassification based on statistical prior probability

Labcorp Genetics (formerly Invitae), Labcorp
Classification: Uncertain significance for Hereditary breast ovarian cancer syndrome. Last evaluated: 2022-10-14. Review status: criteria provided, single submitter. Criteria: Invitae Variant Classification Sherloc (09022015). Collection method: clinical testing. Allele origin: germline.
Comment: In summary, the available evidence is currently insufficient to determine the role of this variant in disease. Therefore, it has been classified as a Variant of Uncertain Significance. This sequence change replaces leucine, which is neutral and non-polar, with proline, which is neutral and non-polar, at codon 342 of the BRCA1 protein (p.Leu342Pro). This variant is not present in population databases (gnomAD no frequency). This variant has not been reported in the literature in individuals affected with BRCA1-related conditions. ClinVar contains an entry for this variant (Variation ID: 441393). Advanced modeling of protein sequence and biophysical properties (such as structural, functional, and spatial information, amino acid conservation, physicochemical variation, residue mobility, and thermodynamic stability) performed at Invitae indicates that this missense variant is not expected to disrupt BRCA1 protein function.

Color Diagnostics, LLC DBA Color Health
Classification: Uncertain significance for Hereditary cancer-predisposing syndrome. Last evaluated: 2019-05-31. Review status: criteria provided, single submitter. Criteria: ACMG Guidelines, 2015. Collection method: clinical testing. Allele origin: germline.

Ambry Genetics
Classification: Uncertain significance for Hereditary cancer-predisposing syndrome. Last evaluated: 2017-02-13. Review status: criteria provided, single submitter. Criteria: Ambry Variant Classification Scheme 2023. Collection method: clinical testing. Allele origin: germline.
Comment: The p.L342P variant (also known as c.1025T>C), located in coding exon 9 of the BRCA1 gene, results from a T to C substitution at nucleotide position 1025. The leucine at codon 342 is replaced by proline, an amino acid with similar properties. This amino acid position is not well conserved in available vertebrate species. In addition, the in silico prediction for this alteration is inconclusive. Since supporting evidence is limited at this time, the clinical significance of this alteration remains unclear.